The following is an entry in ClinVar:

NM_057175.5(NAA15):c.701T>A (p.Leu234Gln)

Gene: NAA15 (N-alpha-acetyltransferase 15, NatA auxiliary subunit; plus strand). Cytogenetic location: 4q31.1.
Variant type: single nucleotide variant.
Coding change: c.701T>A on transcript NM_057175.5 (MANE Select); coding-DNA position 701, T replaced by A.
Protein change: p.Leu234Gln; replaces leucine 234 with glutamine.
Molecular consequence: missense variant.
Genome position (GRCh38, 1-based): chr4:139,349,471, T>A. VCF-style: chr4-139349471-T-A. GRCh37 (hg19) VCF-style: chr4-140270625-T-A.
Other names: c.701T>A, p.Leu234Gln (NM_001410842.1, NM_025085.2); short protein forms L234Q.
Identifiers: ClinVar variation 2504426 (VCV002504426.1), dbSNP rs1429591209, ClinGen allele CA358260918.
Genomic context (GRCh38, chr4:139,349,471, plus strand): 5'-TGGAAGGTTTTCTCAGATATTAAAATTTTTTTTTTTTCTGTTTTTAATCAGGGGAACTTC[T>A]GTTGCAACTATGTCGTTTGGAAGATGCTGCAGATGTTTATAGAGGATTGCAAGAGAGAAA-3'
Protein context (NP_476516.1, residues 224-244): LAVEETKGEL[Leu234Gln]LQLCRLEDAA

ClinVar aggregate classification (germline): Uncertain significance (1 of 4 stars; one submission).

Allele frequency attached by ClinVar (database versions not stated): gnomAD exomes below 0.00001; TOPMed 0.00001.
gnomAD v4.1: 1 of 1,588,504 alleles (0.000063%); highest among the groups gnomAD compares: Non-Finnish European, 0.000085%; no homozygotes.

Submission:

GeneDx
Classification: Uncertain significance. Last evaluated: 2022-12-05. Review status: criteria provided, single submitter. Criteria: GeneDx Variant Classification Process June 2021. Collection method: clinical testing. Allele origin: germline. Affected: yes.
Comment: Not observed at significant frequency in large population cohorts (gnomAD); In silico analysis supports that this missense variant has a deleterious effect on protein structure/function; Has not been previously published as pathogenic or benign to our knowledge